The following is an entry in ClinVar:

ClinVar aggregate classification (germline): Conflicting classifications of pathogenicity. Review status: criteria provided, conflicting classifications (1 of 4 stars). 3 submissions from 3 submitters: Uncertain significance (1); Likely benign (1). 1 of the submissions does not count toward it. Last evaluated 2023-12-27.

Conditions:
PCNT-related disorder. Also called: PCNT-related condition.
Inborn genetic diseases. Identifiers: MedGen C0950123, MeSH D030342.

Allele frequency attached by ClinVar (database versions not stated): gnomAD exomes 0.00003; ExAC 0.00004; 1000 Genomes Project 30x 0.00016; 1000 Genomes Project 0.00020.
gnomAD v4.1: 78 of 1,607,070 alleles (0.0049%); highest among the groups gnomAD compares: African/African-American, 0.024%; no homozygotes.

Submissions (3):

Ambry Genetics
Classification: Likely benign for Inborn genetic diseases. Last evaluated: 2023-12-27. Review status: criteria provided, single submitter. Criteria: Ambry Variant Classification Scheme 2023. Collection method: clinical testing. Allele origin: germline.

Labcorp Genetics (formerly Invitae), Labcorp
Classification: Uncertain significance. Last evaluated: 2022-07-25. Review status: criteria provided, single submitter. Criteria: Invitae Variant Classification Sherloc (09022015). Collection method: clinical testing. Allele origin: germline.
Comment: This sequence change replaces arginine, which is basic and polar, with histidine, which is basic and polar, at codon 288 of the PCNT protein (p.Arg288His). This variant is present in population databases (rs542099749, gnomAD 0.03%). This variant has not been reported in the literature in individuals affected with PCNT-related conditions. ClinVar contains an entry for this variant (Variation ID: 1444252). Algorithms developed to predict the effect of missense changes on protein structure and function output the following: SIFT: "Tolerated"; PolyPhen-2: "Benign"; Align-GVGD: "Class C0". The histidine amino acid residue is found in multiple mammalian species, which suggests that this missense change does not adversely affect protein function. In summary, the available evidence is currently insufficient to determine the role of this variant in disease. Therefore, it has been classified as a Variant of Uncertain Significance.

PreventionGenetics, part of Exact Sciences
Classification: Uncertain significance for PCNT-related condition. Last evaluated: 2024-04-02. Review status: no assertion criteria provided. Collection method: clinical testing. Allele origin: germline. Not counted in ClinVar's aggregate classification.
Comment: The PCNT c.863G>A variant is predicted to result in the amino acid substitution p.Arg288His. To our knowledge, this variant has not been reported in the literature. This variant is reported in 0.026% of alleles in individuals of African descent in gnomAD. At this time, the clinical significance of this variant is uncertain due to the absence of conclusive functional and genetic evidence.

NM_006031.6(PCNT):c.863G>A (p.Arg288His)

Gene: PCNT (pericentrin; plus strand). Cytogenetic location: 21q22.3.
Variant type: single nucleotide variant.
Coding change: c.863G>A on transcript NM_006031.6 (MANE Select); coding-DNA position 863, G replaced by A.
Protein change: p.Arg288His; replaces arginine 288 with histidine.
Molecular consequence: missense variant.
Genome position (GRCh38, 1-based): chr21:46,346,885, G>A. VCF-style: chr21-46346885-G-A. GRCh37 (hg19) VCF-style: chr21-47766799-G-A.
Other names: c.509G>A, p.Arg170His (NM_001315529.2); c.863G>A (NM_006031.5); short protein forms R288H, R170H.
Identifiers: ClinVar variation 1444252 (VCV001444252.5), dbSNP rs542099749, ClinGen allele CA10078432.